The following is an entry in ClinVar:

NM_004655.4(AXIN2):c.1941G>T (p.Glu647Asp)

Gene: AXIN2 (axin 2; minus strand). Cytogenetic location: 17q24.1.
Variant type: single nucleotide variant.
Coding change: c.1941G>T on transcript NM_004655.4 (MANE Select); coding-DNA position 1941, G replaced by T.
Protein change: p.Glu647Asp; replaces glutamic acid 647 with aspartic acid.
Molecular consequence: missense variant.
Genome position (GRCh38, 1-based): chr17:65,536,520, C>A on the plus strand (G>T on the coding strand, the complement: AXIN2 is on the minus strand). VCF-style: chr17-65536520-C-A. GRCh37 (hg19) VCF-style: chr17-63532638-C-A.
Other names: c.1746G>T, p.Glu582Asp (NM_001363813.1); short protein forms E647D, E582D.
Identifiers: ClinVar variation 4743878 (VCV004743878.1).

ClinVar aggregate classification (germline): Uncertain significance (1 of 4 stars; one submission).

Conditions:
Oligodontia-cancer predisposition syndrome. Also called: TOOTH AGENESIS-COLORECTAL CANCER SYNDROME. Identifiers: Orphanet 300576, MedGen C1837750, MONDO:0012075, OMIM 608615. Disease mechanism: loss of function.

Submission:

Labcorp Genetics (formerly Invitae), Labcorp
Classification: Uncertain significance for Oligodontia-cancer predisposition syndrome. Last evaluated: 2025-12-21. Review status: criteria provided, single submitter. Criteria: Invitae Variant Classification Sherloc (09022015). Collection method: clinical testing. Allele origin: germline.
Comment: This sequence change replaces glutamic acid, which is acidic and polar, with aspartic acid, which is acidic and polar, at codon 647 of the AXIN2 protein (p.Glu647Asp). This variant is not present in population databases (gnomAD no frequency). This variant has not been reported in the literature in individuals affected with AXIN2-related conditions. Invitae Evidence Modeling of protein sequence and biophysical properties (such as structural, functional, and spatial information, amino acid conservation, physicochemical variation, residue mobility, and thermodynamic stability) indicates that this missense variant is not expected to disrupt AXIN2 protein function with a negative predictive value of 80%. In summary, the available evidence is currently insufficient to determine the role of this variant in disease. Therefore, it has been classified as a Variant of Uncertain Significance.